The following is an entry in ClinVar:

NM_001018111.3(PODXL):c.1506A>G (p.Thr502=)

Gene: PODXL (podocalyxin like; minus strand). Cytogenetic location: 7q32.3.
Variant type: single nucleotide variant.
Coding change: c.1506A>G on transcript NM_001018111.3 (MANE Select); coding-DNA position 1506, A replaced by G.
Protein change: p.Thr502=; no amino-acid change (threonine 502 retained).
Molecular consequence: synonymous variant.
Genome position (GRCh38, 1-based): chr7:131,504,482, T>C on the plus strand (A>G on the coding strand, the complement: PODXL is on the minus strand). VCF-style: chr7-131504482-T-C. GRCh37 (hg19) VCF-style: chr7-131189241-T-C.
Other names: p.Thr502=; c.1410A>G, p.Thr470= (NM_005397.4).
Identifiers: ClinVar variation 770565 (VCV000770565.8), dbSNP rs747558898, ClinGen allele CA4488330.

ClinVar aggregate classification (germline): Benign/Likely benign. Review status: criteria provided, multiple submitters, no conflicts (2 of 4 stars). 2 submissions from 2 submitters: Benign (1); Likely benign (1). Last evaluated 2026-01-12.

Allele frequency attached by ClinVar (database versions not stated): gnomAD exomes 0.00007 and 0.00034; gnomAD 0.00009 and 0.00008; TOPMed 0.00018; ExAC 0.00030.
gnomAD v4.1: 106 of 1,614,084 alleles (0.0066%); highest among the groups gnomAD compares: Admixed American, 0.17%; no homozygotes.

Submissions (2):

Labcorp Genetics (formerly Invitae), Labcorp
Classification: Benign. Last evaluated: 2026-01-12. Review status: criteria provided, single submitter. Criteria: Invitae Variant Classification Sherloc (09022015). Collection method: clinical testing. Allele origin: germline.

Mayo Clinic Laboratories, Mayo Clinic
Classification: Likely benign. Last evaluated: 2025-03-28. Review status: criteria provided, single submitter. Criteria: ACMG Guidelines, 2015. Collection method: clinical testing. Allele origin: germline. Observed: 1 variant allele.
Comment: BP4, BP7